The following is an entry in ClinVar:

NM_138694.4(PKHD1):c.11776del (p.Val3926fs)

Gene: PKHD1 (PKHD1 ciliary IPT domain containing fibrocystin/polyductin; minus strand). Cytogenetic location: 6p12.3.
Variant type: Deletion.
Coding change: c.11776del on transcript NM_138694.4 (MANE Select); coding-DNA position 11776, one base deleted (G; older notation c.11776delG).
Protein change: p.Val3926fs; shifts the reading frame from valine 3926.
Molecular consequence: frameshift variant.
Genome position (GRCh38, 1-based): chr6:51,627,006, C deleted on the plus strand (G on the coding strand, the reverse complement: PKHD1 is on the minus strand); the first of 2 consecutive C bases (chr6:51,627,006-51,627,007); deleting either gives the same sequence. VCF-style (leftmost placement, unchanged base first): chr6-51627005-AC-A. GRCh37 (hg19) VCF-style: chr6-51491803-AC-A.
Other names: short protein forms V3926fs.
Identifiers: ClinVar variation 371506 (VCV000371506.9), dbSNP rs1057517324, ClinGen allele CA16041021.

ClinVar aggregate classification (germline): Pathogenic/Likely pathogenic. Review status: criteria provided, multiple submitters, no conflicts (2 of 4 stars). 5 submissions from 4 submitters: Pathogenic (3); Likely pathogenic (1). 1 of the submissions does not count toward it. Last evaluated 2025-12-11.

Conditions:
Polycystic kidney disease 4 (PKD4). Also called: POLYCYSTIC KIDNEY AND HEPATIC DISEASE 1; POLYCYSTIC KIDNEY DISEASE, INFANTILE, TYPE I; POLYCYSTIC KIDNEY DISEASE 4 WITH OR WITHOUT POLYCYSTIC LIVER DISEASE; PKD3; Autosomal Recessive Polycystic Kidney Disease – PKHD1. Identifiers: MedGen C4540575, MONDO:0033004, OMIM 263200.
Autosomal recessive polycystic kidney disease (ARPKD). Also called: AR polycystic kidney disease. Identifiers: Orphanet 731, Orphanet 8378, MedGen C0085548, MeSH D017044, MONDO:0009889.

Submissions (5):

Natera, Inc.
Classification: Likely pathogenic for Autosomal recessive polycystic kidney disease. Last evaluated: 2025-12-11. Review status: criteria provided, single submitter. Criteria: Natera Variant Classification Schema (03/2026). Collection method: clinical testing. Allele origin: germline.
Comment: The c.11776delG variant in PKHD1 is a frameshift variant predicted to shift the reading frame beginning at codon 3926 and leads to a stop codon 5 codons downstream. This variant is expected to result in nonsense mediated decay, truncation, or a dysfunctional protein product. This variant is rare in the general population with a frequency below the threshold expected for the associated phenotype(s). Given the available evidence, this variant is classified as Likely Pathogenic.

Labcorp Genetics (formerly Invitae), Labcorp
Classification: Pathogenic for Autosomal recessive polycystic kidney disease. Last evaluated: 2025-10-30. Review status: criteria provided, single submitter. Criteria: Invitae Variant Classification Sherloc (09022015). Collection method: clinical testing. Allele origin: germline.
Comment: This sequence change creates a premature translational stop signal (p.Val3926Trpfs*5) in the PKHD1 gene. While this is not anticipated to result in nonsense mediated decay, it is expected to disrupt the last 149 amino acid(s) of the PKHD1 protein. This variant is not present in population databases (gnomAD no frequency). This variant has not been reported in the literature in individuals affected with PKHD1-related conditions. ClinVar contains an entry for this variant (Variation ID: 371506). This variant disrupts a region of the PKHD1 protein in which other variant(s) (p.Arg3961*) have been determined to be pathogenic (internal data). This suggests that this is a clinically significant region of the protein, and that variants that disrupt it are likely to be disease-causing. For these reasons, this variant has been classified as Pathogenic.

Baylor Genetics
Classification: Pathogenic for Polycystic kidney disease 4. Last evaluated: 2023-07-29. Review status: criteria provided, single submitter. Criteria: ACMG Guidelines, 2015. Collection method: clinical testing. Allele origin: unknown.

Baylor Genetics
Classification: Pathogenic for Polycystic kidney disease 4. Review status: criteria provided, single submitter. Criteria: ACMG Guidelines, 2015. Collection method: clinical testing. Allele origin: germline.

Counsyl
Classification: Likely pathogenic for Polycystic kidney disease 4. Last evaluated: 2016-10-05. Review status: no assertion criteria provided. Collection method: clinical testing. Allele origin: unknown. Not counted in ClinVar's aggregate classification.